The following is an entry in ClinVar:

ClinVar aggregate classification (germline): Likely benign (1 of 4 stars; one submission).

gnomAD v4.1: 206 of 1,612,092 alleles (0.013%); highest among the groups gnomAD compares: Admixed American, 0.34%; 1 homozygote.

Submission:

CeGaT Center for Human Genetics Tuebingen
Classification: Likely benign. Last evaluated: 2026-09-01. Review status: criteria provided, single submitter. Criteria: CeGaT Center For Human Genetics Tuebingen Variant Classification Criteria Version 2. Collection method: clinical testing. Allele origin: germline. Affected: yes. Observed: 1 variant allele.
Comment: TANC2: BP4, BP7, BS1

NM_001394998.1(TANC2):c.2658G>A (p.Leu886=)

Gene: TANC2 (tetratricopeptide repeat, ankyrin repeat and coiled-coil containing 2; plus strand). Cytogenetic location: 17q23.3.
Variant type: single nucleotide variant.
Coding change: c.2658G>A on transcript NM_001394998.1 (MANE Select); coding-DNA position 2658, G replaced by A.
Protein change: p.Leu886=; no amino-acid change (leucine 886 retained).
Molecular consequence: synonymous variant.
Genome position (GRCh38, 1-based): chr17:63,379,793, G>A. VCF-style: chr17-63379793-G-A. GRCh37 (hg19) VCF-style: chr17-61457154-G-A.
Other names: c.2436G>A, p.Leu812= (NM_001411076.1, NM_025185.4).
Identifiers: ClinVar variation 5040874 (VCV005040874.1).